The following is an entry in ClinVar:

ClinVar aggregate classification (germline): Benign. Review status: criteria provided, multiple submitters, no conflicts (2 of 4 stars). 5 submissions from 4 submitters: Benign (5). Last evaluated 2026-02-04.

Conditions:
Severe dermatitis-multiple allergies-metabolic wasting syndrome. Also called: ERYTHRODERMA, CONGENITAL, WITH PALMOPLANTAR KERATODERMA, HYPOTRICHOSIS, RECURRENT INFECTIONS, AND MULTIPLE FOOD ALLERGIES; SEVERE DERMATITIS, MULTIPLE ALLERGIES, AND METABOLIC WASTING SYNDROME; SAM SYNDROME; Erythroderma, congenital, with palmoplantar keratoderma, hypotrichosis, and hyper-ige. Identifiers: Orphanet 369992, MedGen C3809719, MONDO:0014218, OMIM 615508.
Palmoplantar keratoderma i, striate, focal, or diffuse. Also called: KERATOSIS PALMOPLANTARIS STRIATA I; KERATODERMA, PALMOPLANTAR, STRIATE FORM I; STRIATE PALMOPLANTAR KERATODERMA I; PALMOPLANTAR KERATODERMA I, STRIATE OR DIFFUSE; PALMOPLANTAR KERATODERMA I, FOCAL; Keratosis Palmoplantaris Striata I, AD. Identifiers: Orphanet 369999, Orphanet 370002, MedGen C2931122, MONDO:0007859, OMIM 148700.

Allele frequency attached by ClinVar (database versions not stated): 1000 Genomes Project 30x 0.32714; 1000 Genomes Project 0.32768; TOPMed 0.38354; gnomAD exomes 0.42219; ExAC 0.43435; ESP Exome Variant Server 0.43649.
gnomAD v4.1: 750,115 of 1,613,032 alleles (47%); highest among the groups gnomAD compares: Non-Finnish European, 49%; 182,448 homozygotes.

Submissions (6):

Labcorp Genetics (formerly Invitae), Labcorp
Classification: Benign. Last evaluated: 2026-02-04. Review status: criteria provided, single submitter. Criteria: Invitae Variant Classification Sherloc (09022015). Collection method: clinical testing. Allele origin: germline.

Genome-Nilou Lab
Classification: Benign for Severe dermatitis-multiple allergies-metabolic wasting syndrome. Last evaluated: 2021-07-30. Review status: criteria provided, single submitter. Criteria: ACMG Guidelines, 2015. Collection method: clinical testing. Allele origin: germline. Affected: no.

Genome-Nilou Lab
Classification: Benign for Palmoplantar keratoderma i, striate, focal, or diffuse. Last evaluated: 2021-07-30. Review status: criteria provided, single submitter. Criteria: ACMG Guidelines, 2015. Collection method: clinical testing. Allele origin: germline. Affected: no.

Laboratory for Molecular Medicine, Mass General Brigham Personalized Medicine
Classification: Benign. Last evaluated: 2016-03-28. Review status: criteria provided, single submitter. Criteria: LMM Criteria. Collection method: clinical testing. Allele origin: germline.
Comment: Variant identified in a genome or exome case(s) and assessed due to predicted null impact of the variant or pathogenic assertions in the literature or databases. Disclaimer: This variant has not undergone full assessment. The following are preliminary notes: Frequency

Breakthrough Genomics
Classification: Benign. Review status: criteria provided, single submitter. Criteria: ACMG Guidelines, 2015. Collection method: not provided. Allele origin: germline. Inheritance: Autosomal recessive inheritance. Affected: yes.

Dr. Peter K. Rogan Lab, Western University
No classification provided (evidence only). Condition: Malignant lymphoma, large B-cell, diffuse. Review status: no classification provided. Collection method: in vitro. Allele origin: not applicable. Functional consequence: retained intron. Not counted in ClinVar's aggregate classification.

NM_001942.4(DSG1):c.732C>T (p.Gly244=)

Gene: DSG1 (desmoglein 1; plus strand). Cytogenetic location: 18q12.1.
Variant type: single nucleotide variant.
Coding change: c.732C>T on transcript NM_001942.4 (MANE Select); coding-DNA position 732, C replaced by T.
Protein change: p.Gly244=; no amino-acid change (glycine 244 retained).
Molecular consequence: synonymous variant.
Genome position (GRCh38, 1-based): chr18:31,333,636, C>T. VCF-style: chr18-31333636-C-T. GRCh37 (hg19) VCF-style: chr18-28913599-C-T.
Identifiers: ClinVar variation 402802 (VCV000402802.18), dbSNP rs12967407, ClinGen allele CA8925930.